The following is an entry in ClinVar:

NM_019023.5(PRMT7):c.374A>G (p.Glu125Gly)

Gene: PRMT7 (protein arginine methyltransferase 7; plus strand). Cytogenetic location: 16q22.1.
Variant type: single nucleotide variant.
Coding change: c.374A>G on transcript NM_019023.5 (MANE Select); coding-DNA position 374, A replaced by G.
Protein change: p.Glu125Gly; replaces glutamic acid 125 with glycine.
Molecular consequence: missense variant. On other transcripts: non-coding transcript variant (11), intron variant (1).
Genome position (GRCh38, 1-based): chr16:68,329,157, A>G. VCF-style: chr16-68329157-A-G. GRCh37 (hg19) VCF-style: chr16-68363060-A-G.
Other names: c.224A>G, p.Glu75Gly (NM_001184824.4); c.374A>G, p.Glu125Gly (NM_001290018.2, NM_001351143.3, NM_001351144.3 and 1 more transcripts); c.137A>G, p.Glu46Gly (NM_001378021.1, NM_001378022.1, NM_001378023.1); c.184+4325A>G (NM_001378020.1); short protein forms E125G, E46G, E75G.
Identifiers: ClinVar variation 1302524 (VCV001302524.3), dbSNP rs2151558937, ClinGen allele CA396430668.
Genomic context (GRCh38, chr16:68,329,157, plus strand): 5'-AGATTGTGGAGAAAAATGGCTTTAGTGATAAGATTAAGGTTATCAACAAGCATTCCACCG[A>G]GGTGACTGTAGGTCCAGGTGAGATTTACACACCCTGTGTTGAAAGCTTTGCTTGCTCTTG-3'
Protein context (NP_061896.1, residues 115-135): KIKVINKHST[Glu125Gly]VTVGPEGDMP

ClinVar aggregate classification (germline): Uncertain significance (1 of 4 stars; one submission).

Submission:

GeneDx
Classification: Uncertain significance. Last evaluated: 2024-05-15. Review status: criteria provided, single submitter. Criteria: GeneDx Variant Classification Process June 2021. Collection method: clinical testing. Allele origin: germline. Affected: yes.
Comment: In silico analysis supports that this missense variant has a deleterious effect on protein structure/function; Not observed at significant frequency in large population cohorts (gnomAD); This variant is associated with the following publications: (PMID: 36399134)